The following is an entry in ClinVar:

ClinVar aggregate classification (germline): Uncertain significance (1 of 4 stars; one submission).

Submission:

GeneDx
Classification: Uncertain significance. Last evaluated: 2023-04-24. Review status: criteria provided, single submitter. Criteria: GeneDx Variant Classification Process June 2021. Collection method: clinical testing. Allele origin: germline. Affected: yes.
Comment: Not observed at significant frequency in large population cohorts (gnomAD); In silico analysis supports that this missense variant does not alter protein structure/function; Has not been previously published as pathogenic or benign to our knowledge

NM_001104631.2(PDE4D):c.2263C>A (p.Gln755Lys)

Gene: PDE4D (phosphodiesterase 4D; minus strand). Cytogenetic location: 5q11.2.
Variant type: single nucleotide variant.
Coding change: c.2263C>A on transcript NM_001104631.2 (MANE Select); coding-DNA position 2263, C replaced by A.
Protein change: p.Gln755Lys; replaces glutamine 755 with lysine.
Molecular consequence: missense variant.
Genome position (GRCh38, 1-based): chr5:58,974,831, G>T on the plus strand (C>A on the coding strand, the complement: PDE4D is on the minus strand). VCF-style: chr5-58974831-G-T. GRCh37 (hg19) VCF-style: chr5-58270658-G-T.
Other names: c.2080C>A, p.Gln694Lys (NM_001165899.2, NM_001364599.1); c.2071C>A, p.Gln691Lys (NM_001197218.2); c.1897C>A, p.Gln633Lys (NM_001197219.2); c.1873C>A, p.Gln625Lys (NM_001197220.2); c.1357C>A, p.Gln453Lys (NM_001197221.2, NM_001364603.1); c.1591C>A, p.Gln531Lys (NM_001197222.2); c.1390C>A, p.Gln464Lys (NM_001197223.2); c.2050C>A, p.Gln684Lys (NM_001349241.2); and 3 more; short protein forms Q453K, Q464K, Q499K, Q531K, Q619K, Q625K, Q633K, Q645K.
Identifiers: ClinVar variation 2663041 (VCV002663041.1), dbSNP rs2479154452, ClinGen allele CA359812580.